The following is an entry in ClinVar:

ClinVar aggregate classification (germline): Uncertain significance (1 of 4 stars; one submission).

Conditions:
Cardiovascular phenotype. Identifiers: MedGen CN230736.

Submission:

Ambry Genetics
Classification: Uncertain significance for Cardiovascular phenotype. Last evaluated: 2025-12-05. Review status: criteria provided, single submitter. Criteria: Ambry Variant Classification Scheme 2023. Collection method: clinical testing. Allele origin: germline.
Comment: The p.I3309L variant (also known as c.9925A>C), located in coding exon 13 of the ALMS1 gene, results from an A to C substitution at nucleotide position 9925. The isoleucine at codon 3309 is replaced by leucine, an amino acid with highly similar properties. This amino acid position is highly conserved in available vertebrate species. In addition, this alteration is predicted to be tolerated by in silico analysis. Based on the available evidence, the clinical significance of this variant remains unclear.

NM_001378454.1(ALMS1):c.9922A>C (p.Ile3308Leu)

Gene: ALMS1 (ALMS1 centrosome and basal body associated protein; plus strand). Cytogenetic location: 2p13.1.
Variant type: single nucleotide variant.
Coding change: c.9922A>C on transcript NM_001378454.1 (MANE Select); coding-DNA position 9922, A replaced by C.
Protein change: p.Ile3308Leu; replaces isoleucine 3308 with leucine.
Molecular consequence: missense variant.
Genome position (GRCh38, 1-based): chr2:73,550,281, A>C. VCF-style: chr2-73550281-A-C. GRCh37 (hg19) VCF-style: chr2-73777408-A-C.
Other names: c.9925A>C, p.Ile3309Leu (NM_015120.4); short protein forms I3309L, I3308L.
Identifiers: ClinVar variation 4613485 (VCV004613485.1).